The following is an entry in ClinVar:

ClinVar aggregate classification (germline): Uncertain significance (1 of 4 stars; one submission).

Submission:

Women's Health and Genetics/Laboratory Corporation of America, LabCorp
Classification: Uncertain significance. Last evaluated: 2026-05-13. Review status: criteria provided, single submitter. Criteria: LabCorp Variant Classification Summary - May 2015. Collection method: clinical testing. Allele origin: germline.
Comment: Variant summary: TREX1 c.149C>T (p.Ser50Phe) results in a non-conservative amino acid change in the encoded protein sequence. Algorithms developed to predict the effect of missense changes on protein structure and function are either unavailable or do not agree on the potential impact of this missense change. The variant allele was found at a frequency of 4e-06 in 251250 control chromosomes. The available data on variant occurrences in the general population are insufficient to allow any conclusion about variant significance. To our knowledge, no occurrence of c.149C>T in individuals affected with TREX1-related conditions and no experimental evidence demonstrating its impact on protein function have been reported. No submitters have cited clinical-significance assessments for this variant to ClinVar. Based on the evidence outlined above, the variant was classified as uncertain significance.

NM_033629.6(TREX1):c.149C>T (p.Ser50Phe)

Genes: ATRIP (ATR interacting protein; plus strand), ATRIP-TREX1 (ATRIP-TREX1 readthrough; plus strand), TREX1 (three prime repair exonuclease 1; plus strand). Cytogenetic location: 3p21.31.
Variant type: single nucleotide variant.
Coding change: c.149C>T on transcript NM_033629.6 (MANE Select); coding-DNA position 149, C replaced by T.
Protein change: p.Ser50Phe; replaces serine 50 with phenylalanine.
Molecular consequence: missense variant. On other transcripts: non-coding transcript variant (1), 3 prime UTR variant (4).
Genome position (GRCh38, 1-based): chr3:48,466,804, C>T. VCF-style: chr3-48466804-C-T. GRCh37 (hg19) VCF-style: chr3-48508203-C-T.
Other names: c.119C>T, p.Ser40Phe (NM_007248.5); c.*1250C>T (NM_001271022.2, NM_001271023.2, NM_032166.4 and 1 more transcripts); short protein forms S40F, S50F.
Identifiers: ClinVar variation 4853137 (VCV004853137.1).
Genomic context (GRCh38, chr3:48,466,804, plus strand): 5'-AGGTCACGGAGCTGTGCCTGCTGGCTGTCCACAGATGTGCCCTGGAGAGCCCCCCCACCT[C>T]TCAGGGGCCACCTCCCACAGTTCCTCCACCACCGCGTGTGGTAGACAAGCTCTCCCTGTG-3'
Protein context (NP_338599.1, residues 40-60): HRCALESPPT[Ser50Phe]QGPPPTVPPP